The following is an entry in ClinVar:

ClinVar aggregate classification (germline): Likely pathogenic (1 of 4 stars; one submission).

Conditions:
TH-deficient dopa-responsive dystonia. Also called: Segawa syndrome, autosomal recessive; DYT-TH; Tyrosine Hydroxylase-Deficient Dopa-Responsive Dystonia. Identifiers: Orphanet 101150, MedGen C2673535, MONDO:0011551, OMIM 605407.

Submission:

Myriad Genetics, Inc.
Classification: Likely pathogenic for TH-deficient dopa-responsive dystonia. Last evaluated: 2022-05-18. Review status: criteria provided, single submitter. Criteria: Myriad Women's Health Autosomal Recessive and X-Linked Classification Criteria (2021). Collection method: clinical testing. Allele origin: unknown.
Comment: NM_199292.2(TH):c.928dupC(L310Pfs*47) is expected to be pathogenic in the context of tyrosine hydroxylase deficiency. This variant is predicted to lead to an abnormal or absent protein product due to the creation of a premature termination codon in TH, a gene where loss-of-function variants are known to be pathogenic. Please note: this variant was assessed in the context of healthy population screening.

NM_000360.4(TH):c.835dup (p.Leu279fs)

Gene: TH (tyrosine hydroxylase; minus strand). Cytogenetic location: 11p15.5.
Variant type: Duplication.
Coding change: c.835dup on transcript NM_000360.4 (MANE Select); coding-DNA position 835, one base duplicated (C; older notation c.835dupC).
Protein change: p.Leu279fs; shifts the reading frame from leucine 279.
Molecular consequence: frameshift variant.
Genome position (GRCh38, 1-based): chr11:2,166,893, G duplicated on the plus strand (C on the coding strand, the reverse complement: TH is on the minus strand); the first of 2 consecutive G bases (chr11:2,166,893-2,166,894); duplicating either gives the same sequence. VCF-style (leftmost placement, unchanged base first): chr11-2166892-A-AG. GRCh37 (hg19) VCF-style: chr11-2188122-A-AG.
Other names: c.928dup, p.Leu310fs (NM_199292.3); c.916dup, p.Leu306fs (NM_199293.3); short protein forms L279fs, L306fs, L310fs.
Identifiers: ClinVar variation 1726079 (VCV001726079.2), dbSNP rs2495805014, ClinGen allele CA2580082666.